The following is an entry in ClinVar:

ClinVar aggregate classification (germline): Uncertain significance (1 of 4 stars; one submission).

Conditions:
MOGS-congenital disorder of glycosylation. Also called: CDG IIb; GLUCOSIDASE I DEFICIENCY; MOGS-CDG; CDG 2B. Identifiers: Orphanet 79330, MedGen C1853736, MONDO:0011629, OMIM 606056.

Submission:

Labcorp Genetics (formerly Invitae), Labcorp
Classification: Uncertain significance for MOGS-congenital disorder of glycosylation. Last evaluated: 2021-07-13. Review status: criteria provided, single submitter. Criteria: Invitae Variant Classification Sherloc (09022015). Collection method: clinical testing. Allele origin: germline.
Comment: In summary, the available evidence is currently insufficient to determine the role of this variant in disease. Therefore, it has been classified as a Variant of Uncertain Significance. Algorithms developed to predict the effect of missense changes on protein structure and function output the following: SIFT: "Tolerated"; PolyPhen-2: "Benign"; Align-GVGD: "Class C0". The leucine amino acid residue is found in multiple mammalian species, which suggests that this missense change does not adversely affect protein function. This variant has not been reported in the literature in individuals affected with MOGS-related conditions. This variant is not present in population databases (ExAC no frequency). This sequence change replaces phenylalanine with leucine at codon 150 of the MOGS protein (p.Phe150Leu). The phenylalanine residue is moderately conserved and there is a small physicochemical difference between phenylalanine and leucine.

NM_006302.3(MOGS):c.448T>C (p.Phe150Leu)

Gene: MOGS (mannosyl-oligosaccharide glucosidase; minus strand). Cytogenetic location: 2p13.1.
Variant type: single nucleotide variant.
Coding change: c.448T>C on transcript NM_006302.3 (MANE Select); coding-DNA position 448, T replaced by C.
Protein change: p.Phe150Leu; replaces phenylalanine 150 with leucine.
Molecular consequence: missense variant.
Genome position (GRCh38, 1-based): chr2:74,464,627, A>G on the plus strand (T>C on the coding strand, the complement: MOGS is on the minus strand). VCF-style: chr2-74464627-A-G. GRCh37 (hg19) VCF-style: chr2-74691754-A-G.
Other names: c.130T>C, p.Phe44Leu (NM_001146158.2); short protein forms F44L, F150L.
Identifiers: ClinVar variation 1405375 (VCV001405375.8), dbSNP rs780436912, ClinGen allele CA347381321.
Genomic context (GRCh38, chr2:74,464,627, plus strand): 5'-TGGTGAGCCTTAAGGCCCCATCCTGGATGTGTTGGCGCCCGAAGGAGAGGCCGTCGTGGA[A>G]CTCCCAGCCATAGGGACCCACACCGTCCCCCTGCTCACACGTGTGCCTGAGCTTAGGAGT-3'
Protein context (NP_006293.2, residues 140-160): GDGVGPYGWE[Phe150Leu]HDGLSFGRQH